The following is an entry in ClinVar:

NM_001042492.3(NF1):c.2386A>G (p.Lys796Glu)

Gene: NF1 (neurofibromin 1; plus strand). Cytogenetic location: 17q11.2.
Variant type: single nucleotide variant.
Coding change: c.2386A>G on transcript NM_001042492.3 (MANE Select); coding-DNA position 2386, A replaced by G.
Protein change: p.Lys796Glu; replaces lysine 796 with glutamic acid.
Molecular consequence: missense variant.
Genome position (GRCh38, 1-based): chr17:31,227,583, A>G. VCF-style: chr17-31227583-A-G. GRCh37 (hg19) VCF-style: chr17-29554601-A-G.
Other names: c.2386A>G, p.Lys796Glu (NM_000267.4); short protein forms K796E.
Identifiers: ClinVar variation 3695260 (VCV003695260.2).

ClinVar aggregate classification (germline): Uncertain significance (1 of 4 stars; one submission).

Conditions:
Neurofibromatosis, type 1 (NF1). Also called: Peripheral type neurofibromatosis; Neurofibromatosis, type I; VON RECKLINGHAUSEN DISEASE; NEUROFIBROMATOSIS, TYPE I, SOMATIC. Identifiers: Orphanet 636, MedGen C0027831, MONDO:0018975, OMIM 162200. Disease mechanism: loss of function.

Submission:

Labcorp Genetics (formerly Invitae), Labcorp
Classification: Uncertain significance for Neurofibromatosis, type 1. Last evaluated: 2024-04-24. Review status: criteria provided, single submitter. Criteria: Invitae Variant Classification Sherloc (09022015). Collection method: clinical testing. Allele origin: germline.
Comment: This sequence change replaces lysine, which is basic and polar, with glutamic acid, which is acidic and polar, at codon 796 of the NF1 protein (p.Lys796Glu). This variant is not present in population databases (gnomAD no frequency). This variant has not been reported in the literature in individuals affected with NF1-related conditions. Advanced modeling of protein sequence and biophysical properties (such as structural, functional, and spatial information, amino acid conservation, physicochemical variation, residue mobility, and thermodynamic stability) performed at Invitae indicates that this missense variant is expected to disrupt NF1 protein function with a positive predictive value of 95%. In summary, the available evidence is currently insufficient to determine the role of this variant in disease. Therefore, it has been classified as a Variant of Uncertain Significance.